The following is an entry in ClinVar:

ClinVar aggregate classification (germline): Uncertain significance (1 of 4 stars; one submission).

Conditions:
Severe early-onset pulmonary alveolar proteinosis due to MARS deficiency. Also called: PULMONARY ALVEOLAR PROTEINOSIS, REUNION ISLAND; Interstitial lung and liver disease. Identifiers: Orphanet 440427, MedGen C4225400, MONDO:0014206, OMIM 615486.
Charcot-Marie-Tooth disease axonal type 2U. Also called: CHARCOT-MARIE-TOOTH NEUROPATHY, TYPE 2U; CHARCOT-MARIE-TOOTH DISEASE, AXONAL, AUTOSOMAL DOMINANT, TYPE 2U. Identifiers: Orphanet 397735, MedGen C4084821, MONDO:0014566, OMIM 616280.

gnomAD v4.1: 2 of 1,614,026 alleles (0.00012%); highest among the groups gnomAD compares: Non-Finnish European, 0.000085%; no homozygotes.

Submission:

Labcorp Genetics (formerly Invitae), Labcorp
Classification: Uncertain significance for Charcot-Marie-Tooth disease axonal type 2U; Severe early-onset pulmonary alveolar proteinosis due to MARS deficiency. Last evaluated: 2025-04-07. Review status: criteria provided, single submitter. Criteria: Invitae Variant Classification Sherloc (09022015). Collection method: clinical testing. Allele origin: germline.
Comment: This sequence change replaces glutamic acid, which is acidic and polar, with lysine, which is basic and polar, at codon 572 of the MARS protein (p.Glu572Lys). This variant is present in population databases (rs776499219, gnomAD 0.0009%). This variant has not been reported in the literature in individuals affected with MARS-related conditions. An algorithm developed to predict the effect of missense changes on protein structure and function (PolyPhen-2) suggests that this variant is likely to be tolerated. In summary, the available evidence is currently insufficient to determine the role of this variant in disease. Therefore, it has been classified as a Variant of Uncertain Significance.

NM_004990.4(MARS1):c.1714G>A (p.Glu572Lys)

Gene: MARS1 (methionyl-tRNA synthetase 1; plus strand). Cytogenetic location: 12q13.3.
Variant type: single nucleotide variant.
Coding change: c.1714G>A on transcript NM_004990.4 (MANE Select); coding-DNA position 1714, G replaced by A.
Protein change: p.Glu572Lys; replaces glutamic acid 572 with lysine.
Molecular consequence: missense variant.
Genome position (GRCh38, 1-based): chr12:57,512,314, G>A. VCF-style: chr12-57512314-G-A. GRCh37 (hg19) VCF-style: chr12-57906097-G-A.
Other names: short protein forms E572K.
Identifiers: ClinVar variation 4792268 (VCV004792268.1).